The following is an entry in ClinVar:

NM_032242.4(PLXNA1):c.4033A>G (p.Met1345Val)

Gene: PLXNA1 (plexin A1; plus strand). Cytogenetic location: 3q21.3.
Variant type: single nucleotide variant.
Coding change: c.4033A>G on transcript NM_032242.4 (MANE Select); coding-DNA position 4033, A replaced by G.
Protein change: p.Met1345Val; replaces methionine 1345 with valine.
Molecular consequence: missense variant.
Genome position (GRCh38, 1-based): chr3:127,020,339, A>G. VCF-style: chr3-127020339-A-G. GRCh37 (hg19) VCF-style: chr3-126739182-A-G.
Other names: short protein forms M1345V.
Identifiers: ClinVar variation 4991898 (VCV004991898.1).

ClinVar aggregate classification (germline): Uncertain significance (1 of 4 stars; one submission).

Conditions:
PLXNA1-related disorder. Also called: PLXNA1-related condition.

Submission:

PreventionGenetics, part of Exact Sciences
Classification: Uncertain significance for PLXNA1-related condition. Last evaluated: 2026-02-05. Review status: criteria provided, single submitter. Criteria: ACMG Guidelines, 2015. Collection method: clinical testing. Allele origin: germline.
Comment: The PLXNA1 c.4033A>G variant is predicted to result in the amino acid substitution p.Met1345Val. To our knowledge, this variant has not been reported in the literature or in a large population database (gnomAD), indicating this variant is rare. At this time, the clinical significance of this variant is uncertain due to the absence of conclusive functional and genetic evidence.